The following is an entry in ClinVar:

NM_000535.7(PMS2):c.870del (p.Phe291fs)

Gene: PMS2 (PMS1 homolog 2, mismatch repair system component; minus strand). Cytogenetic location: 7p22.1.
Variant type: Deletion.
Coding change: c.870del on transcript NM_000535.7 (MANE Select); coding-DNA position 870, one base deleted (C; older notation c.870delC).
Protein change: p.Phe291fs; shifts the reading frame from phenylalanine 291.
Molecular consequence: frameshift variant. On other transcripts: 5 prime UTR variant (2), non-coding transcript variant (1).
Genome position (GRCh38, 1-based): chr7:5,995,567, G deleted on the plus strand (C on the coding strand, the reverse complement: PMS2 is on the minus strand). VCF-style (leftmost placement, unchanged base first): chr7-5995566-AG-A. GRCh37 (hg19) VCF-style: chr7-6035197-AG-A.
Other names: c.465del, p.Phe156fs (NM_001322003.2, NM_001322004.2, NM_001322005.2 and 2 more transcripts); c.870del, p.Phe291fs (NM_001322006.2, NM_001322014.2); c.552del, p.Phe185fs (NM_001322007.2, NM_001322008.2); c.-64del (NM_001322011.2, NM_001322012.2); c.297del, p.Phe100fs (NM_001322013.2); c.561del, p.Phe188fs (NM_001322015.2); short protein forms F100fs, F156fs, F185fs, F291fs, F188fs.
Identifiers: ClinVar variation 836940 (VCV000836940.9), dbSNP rs1784299649, ClinGen allele CA916080367.
Genomic context (GRCh38, chr7:5,995,566, plus strand): 5'-CAAACTAACACAAAAAAATTTTAAATACCTTTGCTGGGTCACAAGGCCGCCGGTTGATAA[AG>A]AAAAACTGTCTGTCTGTTGAACTCCTTCCAACTCCATGCGTGCATTGTGAAATGAAACCT-3'

ClinVar aggregate classification (germline): Pathogenic. Review status: criteria provided, multiple submitters, no conflicts (2 of 4 stars). 2 submissions from 2 submitters: Pathogenic (2). Last evaluated 2025-05-12.

Conditions:
Lynch syndrome 4 (LYNCH4). Also called: Hereditary non-polyposis colorectal cancer, type 4; Colorectal cancer, hereditary nonpolyposis, type 4. Identifiers: Orphanet 144, MedGen C1838333, MONDO:0013699, OMIM 614337. Disease mechanism: loss of function.
Hereditary nonpolyposis colorectal neoplasms. Identifiers: MedGen C0009405, MeSH D003123.

Submissions (2):

Labcorp Genetics (formerly Invitae), Labcorp
Classification: Pathogenic for Hereditary nonpolyposis colorectal neoplasms. Last evaluated: 2025-05-12. Review status: criteria provided, single submitter. Criteria: Invitae Variant Classification Sherloc (09022015). Collection method: clinical testing. Allele origin: germline.
Comment: This sequence change creates a premature translational stop signal (p.Phe291Leufs*16) in the PMS2 gene. It is expected to result in an absent or disrupted protein product. Loss-of-function variants in PMS2 are known to be pathogenic (PMID: 21376568, 24362816). This variant is not present in population databases (gnomAD no frequency). This variant has not been reported in the literature in individuals affected with PMS2-related conditions. ClinVar contains an entry for this variant (Variation ID: 836940). Algorithms developed to predict the effect of sequence changes on RNA splicing suggest that this variant may disrupt the consensus splice site. For these reasons, this variant has been classified as Pathogenic.

Myriad Genetics, Inc.
Classification: Pathogenic for Lynch syndrome 4. Last evaluated: 2023-09-19. Review status: criteria provided, single submitter. Criteria: Myriad Autosomal Dominant, Autosomal Recessive and X-Linked Classification Criteria (2023). Collection method: clinical testing. Allele origin: unknown.
Comment: This variant is considered pathogenic. This variant creates a frameshift predicted to result in premature protein truncation.

Literature cited by the submitters: PubMed 21376568 (cited by Labcorp Genetics (formerly Invitae), Labcorp); PubMed 24362816 (cited by Labcorp Genetics (formerly Invitae), Labcorp).